The following is an entry in ClinVar:

ClinVar aggregate classification (germline): Conflicting classifications of pathogenicity. Review status: criteria provided, conflicting classifications (1 of 4 stars). 9 submissions from 9 submitters: Uncertain significance (4); Likely benign (3). 2 of the submissions do not count toward it. Last evaluated 2026-08-14.

Conditions:
LRP5-related disorder. Also called: LRP5-related condition.
Osteogenesis imperfecta (OI). Identifiers: Orphanet 666, MedGen C0029434, MeSH D010013, MONDO:0019019.
Inborn genetic diseases. Identifiers: MedGen C0950123, MeSH D030342.
Retinal dystrophy. Also called: Inherited retinal dystrophy. Identifiers: Orphanet 71862, MedGen C0854723, MeSH D058499, MONDO:0019118, HP:0000556.

Submissions (9):

GeneDx
Classification: Uncertain significance. Last evaluated: 2026-08-14. Review status: criteria provided, single submitter. Criteria: GeneDx Variant Classification Process June 2021. Collection method: clinical testing. Allele origin: germline.
Comment: Previously reported in German and Turkish control individuals, with a frequency of less than 1%, as compared to 90% frequency of the wild type LRP5 variant with 9 Leucine repeats (PMID: 19177549); Published functional studies expressed human LRP5 with different Leucine repeats number (3-Leu to 11-Leu) of signal peptide in HEK293 cells; Luciferase assay showed ~40% reductions in activity of LRP5 with 11-Leu compared to the wild type (9-Leu); Western blot assay showed that 11-Leu LRP5 had greater retention in the cytoplasmic fraction compared to the wild type (PMID: 19177549); In-frame duplication of two Leucine amino acids in the signal peptide sequence of LRP5, leading to 11 Leucine repeats; wild-type sequence has 9 Leucine repeats; This variant is associated with the following publications: (PMID: 32483926, 34860240, 19177549)

Labcorp Genetics (formerly Invitae), Labcorp
Classification: Uncertain significance. Last evaluated: 2026-02-01. Review status: criteria provided, single submitter. Criteria: Invitae Variant Classification Sherloc (09022015). Collection method: clinical testing. Allele origin: germline.
Comment: This variant, c.55_60dup, results in the insertion of 2 amino acid(s) of the LRP5 protein (p.Leu19_Leu20dup), but otherwise preserves the integrity of the reading frame. The frequency data for this variant in the population databases is considered unreliable, as metrics indicate poor data quality at this position in the gnomAD database. This variant has been observed in individual(s) with LRP5-related conditions (PMID: 32483926, 34860240). Algorithms developed to predict the effect of variants on gene product structure and function are not available or were not evaluated for this variant. Experimental studies have shown that this variant affects LRP5 function (PMID: 19177549). In summary, the available evidence is currently insufficient to determine the role of this variant in disease. Therefore, it has been classified as a Variant of Uncertain Significance.

Mayo Clinic Laboratories, Mayo Clinic
Classification: Uncertain significance. Last evaluated: 2025-05-25. Review status: criteria provided, single submitter. Criteria: ACMG Guidelines, 2015. Collection method: clinical testing. Allele origin: germline. Observed: 1 variant allele.
Comment: BS1, PS3_supporting

Blueprint Genetics
Classification: Likely benign. Last evaluated: 2024-10-29. Review status: criteria provided, single submitter. Criteria: ACMG Guidelines, 2015. Collection method: clinical testing. Allele origin: germline.

Ambry Genetics
Classification: Uncertain significance for Inborn genetic diseases. Last evaluated: 2023-08-17. Review status: criteria provided, single submitter. Criteria: Ambry Variant Classification Scheme 2023. Collection method: clinical testing. Allele origin: germline.
Comment: The c.55_60dupCTGCTG (p.L19_L20dup) alteration is located in exon 1 (coding exon 1) of the LRP5 gene. The alteration consists of an in-frame duplication of 6 nucleotides from position 55 to 60, resulting in the duplication of 2 residues. Based on insufficient or conflicting evidence, the clinical significance of this alteration remains unclear.

Genome Diagnostics Laboratory, The Hospital for Sick Children
Classification: Likely benign for Osteogenesis imperfecta. Last evaluated: 2021-05-14. Review status: criteria provided, single submitter. Criteria: ACMG Guidelines, 2015. Collection method: clinical testing. Allele origin: germline.

Eurofins Ntd Llc (ga)
Classification: Likely benign. Last evaluated: 2016-10-03. Review status: criteria provided, single submitter. Criteria: EGL Classification Definitions 2015. Collection method: clinical testing. Allele origin: germline. Observed: 1 variant allele, 1 heterozygote.

PreventionGenetics, part of Exact Sciences
Classification: Benign for LRP5-related condition. Last evaluated: 2024-06-24. Review status: no assertion criteria provided. Collection method: clinical testing. Allele origin: germline. Not counted in ClinVar's aggregate classification.
Comment: This variant is classified as benign based on ACMG/AMP sequence variant interpretation guidelines (Richards et al. 2015 PMID: 25741868, with internal and published modifications).

Institute of Human Genetics, Univ. Regensburg, Univ. Regensburg
Classification: Uncertain significance for Retinal dystrophy. Last evaluated: 2022-01-01. Review status: no assertion criteria provided. Criteria: ACMG Guidelines, 2015. Collection method: clinical testing. Allele origin: germline. Affected: yes. Not counted in ClinVar's aggregate classification.

Literature cited by the submitters: PubMed 32483926 (cited by Labcorp Genetics (formerly Invitae), Labcorp and Mayo Clinic Laboratories, Mayo Clinic); PubMed 34860240 (cited by Labcorp Genetics (formerly Invitae), Labcorp and Mayo Clinic Laboratories, Mayo Clinic); PubMed 19177549 (cited by 3 submitters); PubMed 22511589 (cited by Ambry Genetics).

NM_002335.4(LRP5):c.34CTG[11] (p.Leu19_Leu20dup)

Gene: LRP5 (LDL receptor related protein 5; plus strand). Cytogenetic location: 11q13.2.
Variant type: Microsatellite.
Coding change: c.34CTG[11] on transcript NM_002335.4 (MANE Select); 11 copies in a row of the 3-base unit CTG starting at c.34; the reference has nine copies in a row; two copies, 6 bases duplicated; also written c.55_60dup.
Protein change: p.Leu19_Leu20dup.
Molecular consequence: inframe insertion. On other transcripts: 5 prime UTR variant (1).
Genome position (GRCh38, 1-based): chr11:68,312,769-68,312,774, CTGCTG duplicated; duplicating any 6 consecutive bases within chr11:68,312,747-68,312,774 gives the same sequence; the position shown is the placement nearest the transcript's 3' end. VCF-style (leftmost placement, unchanged base first): chr11-68312746-C-CGCTGCT. GRCh37 (hg19) VCF-style: chr11-68080214-C-CGCTGCT.
Other names: p.Leu19_Leu20dup; c.-1732CTG[11] (NM_001291902.2); c.55_60dupCTGCTG (NM_002335.2); c.55_60dup (NM_002335.4); c.55_60dup6 (NM_002335.3).
Identifiers: ClinVar variation 372405 (VCV000372405.27), dbSNP rs72555376, ClinGen allele CA6148888.